The following is an entry in ClinVar:

ClinVar aggregate classification (germline): Uncertain significance (1 of 4 stars; one submission).

Allele frequency attached by ClinVar (database versions not stated): gnomAD exomes below 0.00001; TOPMed below 0.00001.
gnomAD v4.1: 3 of 1,612,436 alleles (0.00019%); highest among the groups gnomAD compares: Non-Finnish European, 0.00025%; no homozygotes.

Submission:

Labcorp Genetics (formerly Invitae), Labcorp
Classification: Uncertain significance. Last evaluated: 2025-03-17. Review status: criteria provided, single submitter. Criteria: Invitae Variant Classification Sherloc (09022015). Collection method: clinical testing. Allele origin: germline.
Comment: This sequence change replaces valine, which is neutral and non-polar, with alanine, which is neutral and non-polar, at codon 759 of the VPS13A protein (p.Val759Ala). This variant is not present in population databases (gnomAD no frequency). This variant has not been reported in the literature in individuals affected with VPS13A-related conditions. ClinVar contains an entry for this variant (Variation ID: 2105342). Invitae Evidence Modeling of protein sequence and biophysical properties (such as structural, functional, and spatial information, amino acid conservation, physicochemical variation, residue mobility, and thermodynamic stability) indicates that this missense variant is not expected to disrupt VPS13A protein function with a negative predictive value of 80%. In summary, the available evidence is currently insufficient to determine the role of this variant in disease. Therefore, it has been classified as a Variant of Uncertain Significance.

NM_033305.3(VPS13A):c.2276T>C (p.Val759Ala)

Gene: VPS13A (vacuolar protein sorting 13 homolog A; plus strand). Cytogenetic location: 9q21.2.
Variant type: single nucleotide variant.
Coding change: c.2276T>C on transcript NM_033305.3 (MANE Select); coding-DNA position 2276, T replaced by C.
Protein change: p.Val759Ala; replaces valine 759 with alanine.
Molecular consequence: missense variant.
Genome position (GRCh38, 1-based): chr9:77,252,340, T>C. VCF-style: chr9-77252340-T-C. GRCh37 (hg19) VCF-style: chr9-79867256-T-C.
Other names: c.2276T>C, p.Val759Ala (NM_001018037.2, NM_001018038.3, NM_015186.4); short protein forms V759A.
Identifiers: ClinVar variation 2105342 (VCV002105342.4), dbSNP rs1825189910, ClinGen allele CA373851013.